The following is an entry in ClinVar:

ClinVar aggregate classification (germline): Conflicting classifications of pathogenicity. Review status: criteria provided, conflicting classifications (1 of 4 stars). 4 submissions from 4 submitters: Uncertain significance (1); Likely benign (3). Last evaluated 2025-05-19.

Conditions:
Autoinflammatory syndrome. Identifiers: Orphanet 93665, MedGen C3890737, MONDO:0019751.
Sterile multifocal osteomyelitis with periostitis and pustulosis. Also called: CHRONIC RECURRENT MULTIFOCAL OSTEOMYELITIS 2, WITH PERIOSTITIS AND PUSTULOSIS. Identifiers: Orphanet 210115, MedGen C2748507, MONDO:0013021, OMIM 612852.

Allele frequency attached by ClinVar (database versions not stated): gnomAD 0.00003 and 0.00004; TOPMed 0.00003; gnomAD exomes 0.00006 and 0.00010; ExAC 0.00008; ESP Exome Variant Server 0.00015.
gnomAD v4.1: 86 of 1,614,128 alleles (0.0053%); highest among the groups gnomAD compares: South Asian, 0.03%; 2 homozygotes.

Submissions (4):

Labcorp Genetics (formerly Invitae), Labcorp
Classification: Likely benign for Sterile multifocal osteomyelitis with periostitis and pustulosis. Last evaluated: 2025-05-19. Review status: criteria provided, single submitter. Criteria: Invitae Variant Classification Sherloc (09022015). Collection method: clinical testing. Allele origin: germline.

Blueprint Genetics
Classification: Likely benign. Last evaluated: 2024-08-15. Review status: criteria provided, single submitter. Criteria: ACMG Guidelines, 2015. Collection method: clinical testing. Allele origin: germline.

CeGaT Center for Human Genetics Tuebingen
Classification: Likely benign. Last evaluated: 2024-03-01. Review status: criteria provided, single submitter. Criteria: CeGaT Center For Human Genetics Tuebingen Variant Classification Criteria Version 2. Collection method: clinical testing. Allele origin: germline. Affected: yes. Observed: 1 variant allele.
Comment: IL1RN: BP4, BP7

Genome Diagnostics Laboratory, The Hospital for Sick Children
Classification: Uncertain significance for Autoinflammatory syndrome. Last evaluated: 2021-02-19. Review status: criteria provided, single submitter. Criteria: ACMG Guidelines, 2015. Collection method: clinical testing. Allele origin: germline. Affected: yes.

NM_173842.3(IL1RN):c.495C>T (p.Gly165=)

Gene: IL1RN (interleukin 1 receptor antagonist; plus strand). Cytogenetic location: 2q14.1.
Variant type: single nucleotide variant.
Coding change: c.495C>T on transcript NM_173842.3 (MANE Select); coding-DNA position 495, C replaced by T.
Protein change: p.Gly165=; no amino-acid change (glycine 165 retained).
Molecular consequence: synonymous variant.
Genome position (GRCh38, 1-based): chr2:113,132,832, C>T. VCF-style: chr2-113132832-C-T. GRCh37 (hg19) VCF-style: chr2-113890409-C-T.
Other names: c.441C>T, p.Gly147= (NM_000577.5); c.393C>T, p.Gly131= (NM_001318914.2, NM_001379360.1, NM_173843.3); c.504C>T, p.Gly168= (NM_173841.3).
Identifiers: ClinVar variation 753684 (VCV000753684.36), dbSNP rs368843442, ClinGen allele CA1838916.